The following is an entry in ClinVar:

ClinVar aggregate classification (germline): Uncertain significance. Review status: criteria provided, multiple submitters, no conflicts (2 of 4 stars). 2 submissions from 2 submitters: Uncertain significance (2). Last evaluated 2024-07-02.

Conditions:
Inborn genetic diseases. Identifiers: MedGen C0950123, MeSH D030342.
Chédiak-Higashi syndrome (CHS). Also called: Chediak-Higashi Syndrome. Identifiers: Orphanet 167, MedGen C0007965, MONDO:0008963, OMIM 214500.

Allele frequency attached by ClinVar (database versions not stated): TOPMed below 0.00001; gnomAD 0.00001; gnomAD exomes 0.00003; ExAC 0.00004.
gnomAD v4.1: 38 of 1,612,988 alleles (0.0024%); highest among the groups gnomAD compares: Admixed American, 0.005%; no homozygotes.

Submissions (2):

Ambry Genetics
Classification: Uncertain significance for Inborn genetic diseases. Last evaluated: 2024-07-02. Review status: criteria provided, single submitter. Criteria: Ambry Variant Classification Scheme 2023. Collection method: clinical testing. Allele origin: germline.

Labcorp Genetics (formerly Invitae), Labcorp
Classification: Uncertain significance for Chédiak-Higashi syndrome. Last evaluated: 2022-08-22. Review status: criteria provided, single submitter. Criteria: Invitae Variant Classification Sherloc (09022015). Collection method: clinical testing. Allele origin: germline.
Comment: This sequence change replaces arginine, which is basic and polar, with cysteine, which is neutral and slightly polar, at codon 10 of the LYST protein (p.Arg10Cys). This variant is present in population databases (rs767877661, gnomAD 0.009%). This variant has not been reported in the literature in individuals affected with LYST-related conditions. ClinVar contains an entry for this variant (Variation ID: 1023178). Algorithms developed to predict the effect of missense changes on protein structure and function are either unavailable or do not agree on the potential impact of this missense change (SIFT: "Deleterious"; PolyPhen-2: "Probably Damaging"; Align-GVGD: "Class C0"). In summary, the available evidence is currently insufficient to determine the role of this variant in disease. Therefore, it has been classified as a Variant of Uncertain Significance.

NM_000081.4(LYST):c.28C>T (p.Arg10Cys)

Gene: LYST (lysosomal trafficking regulator; minus strand). Cytogenetic location: 1q42.3.
Variant type: single nucleotide variant.
Coding change: c.28C>T on transcript NM_000081.4 (MANE Select); coding-DNA position 28, C replaced by T.
Protein change: p.Arg10Cys; replaces arginine 10 with cysteine.
Molecular consequence: missense variant. On other transcripts: non-coding transcript variant (1).
Genome position (GRCh38, 1-based): chr1:235,830,390, G>A on the plus strand (C>T on the coding strand, the complement: LYST is on the minus strand). VCF-style: chr1-235830390-G-A. GRCh37 (hg19) VCF-style: chr1-235993690-G-A.
Other names: c.28C>T, p.Arg10Cys (NM_001301365.1); c.28C>T (NM_000081.2); short protein forms R10C.
Identifiers: ClinVar variation 1023178 (VCV001023178.7), dbSNP rs767877661, ClinGen allele CA1467754.